The following is an entry in ClinVar:

NM_003072.5(SMARCA4):c.263C>G (p.Pro88Arg)

Gene: SMARCA4 (SWI/SNF related BAF chromatin remodeling complex subunit ATPase 4; plus strand). Cytogenetic location: 19p13.2.
Variant type: single nucleotide variant.
Coding change: c.263C>G on transcript NM_003072.5 (MANE Select); coding-DNA position 263, C replaced by G.
Protein change: p.Pro88Arg; replaces proline 88 with arginine.
Molecular consequence: missense variant. On other transcripts: non-coding transcript variant (1).
Genome position (GRCh38, 1-based): chr19:10,985,313, C>G. VCF-style: chr19-10985313-C-G. GRCh37 (hg19) VCF-style: chr19-11095989-C-G.
Other names: c.263C>G, p.Pro88Arg (NM_001128844.3, NM_001128845.2, NM_001128846.2 and 6 more transcripts); short protein forms P88R.
Identifiers: ClinVar variation 3958483 (VCV003958483.1).

ClinVar aggregate classification (germline): Uncertain significance (1 of 4 stars; one submission).

Conditions:
Hereditary cancer-predisposing syndrome. Also called: Tumor predisposition; Hereditary neoplastic syndrome; Hereditary Cancer Syndrome; Neoplastic Syndromes, Hereditary. Identifiers: Orphanet 140162, MedGen C0027672, MeSH D009386, MONDO:0015356.

Submission:

Ambry Genetics
Classification: Uncertain significance for Hereditary cancer-predisposing syndrome. Last evaluated: 2025-06-06. Review status: criteria provided, single submitter. Criteria: Ambry Variant Classification Scheme 2023. Collection method: clinical testing. Allele origin: germline.
Comment: The p.P88R variant (also known as c.263C>G), located in coding exon 2 of the SMARCA4 gene, results from a C to G substitution at nucleotide position 263. The proline at codon 88 is replaced by arginine, an amino acid with dissimilar properties. This amino acid position is conserved. In addition, this alteration is predicted to be tolerated by in silico analysis. Based on the available evidence, the clinical significance of this variant remains unclear.